The following is an entry in ClinVar:

NM_000388.4(CASR):c.758A>T (p.Gln253Leu)

Gene: CASR (calcium sensing receptor; plus strand). Cytogenetic location: 3q21.1.
Variant type: single nucleotide variant.
Coding change: c.758A>T on transcript NM_000388.4 (MANE Select); coding-DNA position 758, A replaced by T.
Protein change: p.Gln253Leu; replaces glutamine 253 with leucine.
Molecular consequence: missense variant.
Genome position (GRCh38, 1-based): chr3:122,261,793, A>T. VCF-style: chr3-122261793-A-T. GRCh37 (hg19) VCF-style: chr3-121980640-A-T.
Other names: c.758A>T, p.Gln253Leu (NM_001178065.2); short protein forms Q253L.
Identifiers: ClinVar variation 3752732 (VCV003752732.2).

ClinVar aggregate classification (germline): Uncertain significance (1 of 4 stars; one submission).

Conditions:
Autosomal dominant hypocalcemia 1 (HYPOC1). Also called: HYPOCALCEMIA, FAMILIAL. Identifiers: MedGen C3715128, MONDO:0011013, OMIM 601198.
Familial hypocalciuric hypercalcemia (FHH). Also called: Familial benign hypercalcemia. Identifiers: Orphanet 405, MedGen C1809471, MONDO:0018458.

gnomAD v4.1: 2 of 1,614,274 alleles (0.00012%); highest among the groups gnomAD compares: South Asian, 0.0022%; no homozygotes.

Submission:

Labcorp Genetics (formerly Invitae), Labcorp
Classification: Uncertain significance for Familial hypocalciuric hypercalcemia; Autosomal dominant hypocalcemia 1. Last evaluated: 2024-09-09. Review status: criteria provided, single submitter. Criteria: Invitae Variant Classification Sherloc (09022015). Collection method: clinical testing. Allele origin: germline.
Comment: This sequence change replaces glutamine, which is neutral and polar, with leucine, which is neutral and non-polar, at codon 253 of the CASR protein (p.Gln253Leu). This variant is present in population databases (rs768891713, gnomAD 0.003%). This variant has not been reported in the literature in individuals affected with CASR-related conditions. An algorithm developed to predict the effect of missense changes on protein structure and function (PolyPhen-2) suggests that this variant is likely to be tolerated. In summary, the available evidence is currently insufficient to determine the role of this variant in disease. Therefore, it has been classified as a Variant of Uncertain Significance.